The following is an entry in ClinVar:

NM_173660.5(DOK7):c.440C>T (p.Ala147Val)

Gene: DOK7 (docking protein 7; plus strand). Cytogenetic location: 4p16.3.
Variant type: single nucleotide variant.
Coding change: c.440C>T on transcript NM_173660.5 (MANE Select); coding-DNA position 440, C replaced by T.
Protein change: p.Ala147Val; replaces alanine 147 with valine.
Molecular consequence: missense variant. On other transcripts: intron variant (1).
Genome position (GRCh38, 1-based): chr4:3,476,450, C>T. VCF-style: chr4-3476450-C-T. GRCh37 (hg19) VCF-style: chr4-3478177-C-T.
Other names: c.440C>T, p.Ala147Val (NM_001164673.2, NM_001301071.2); c.101-9089C>T (NM_001363811.2); short protein forms A147V.
Identifiers: ClinVar variation 1512219 (VCV001512219.8), dbSNP rs1560212754, ClinGen allele CA356114337.
Genomic context (GRCh38, chr4:3,476,450, plus strand): 5'-GCCCGGCTACCCTGCACCTCTGCAATGATGTCCTCGTCTTGGCCAGGGACATCCCCCCGG[C>T]TGTCACGGGGCAGTGGAAGCTGTCTGACCTCCGGCGCTACGGGGCCGTGCCAAGCGGATT-3'
Protein context (NP_775931.3, residues 137-157): VLVLARDIPP[Ala147Val]VTGQWKLSDL

ClinVar aggregate classification (germline): Uncertain significance (1 of 4 stars; one submission).

Conditions:
Fetal akinesia deformation sequence 1 (FADS1). Also called: Pena-Shokeir syndrome type I; Fetal akinesia sequence. Identifiers: Orphanet 994, MedGen C1276035, MONDO:0100101, OMIM 208150, HP:0001989.
Congenital myasthenic syndrome 10. Also called: Myasthenia, limb-girdle, familial. Identifiers: Orphanet 590, MedGen C1850792, MONDO:0009690, OMIM 254300.

Allele frequency attached by ClinVar (database versions not stated): gnomAD exomes below 0.00001.

Submission:

Labcorp Genetics (formerly Invitae), Labcorp
Classification: Uncertain significance for Congenital myasthenic syndrome 10; Fetal akinesia deformation sequence 1. Last evaluated: 2023-11-27. Review status: criteria provided, single submitter. Criteria: Invitae Variant Classification Sherloc (09022015). Collection method: clinical testing. Allele origin: germline.
Comment: This sequence change replaces alanine, which is neutral and non-polar, with valine, which is neutral and non-polar, at codon 147 of the DOK7 protein (p.Ala147Val). This variant is not present in population databases (gnomAD no frequency). This variant has not been reported in the literature in individuals affected with DOK7-related conditions. ClinVar contains an entry for this variant (Variation ID: 1512219). Advanced modeling of protein sequence and biophysical properties (such as structural, functional, and spatial information, amino acid conservation, physicochemical variation, residue mobility, and thermodynamic stability) performed at Invitae indicates that this missense variant is not expected to disrupt DOK7 protein function with a negative predictive value of 80%. In summary, the available evidence is currently insufficient to determine the role of this variant in disease. Therefore, it has been classified as a Variant of Uncertain Significance.